The following is an entry in ClinVar:

NM_024422.6(DSC2):c.473del (p.Gln158fs)

Gene: DSC2 (desmocollin 2; minus strand). Cytogenetic location: 18q12.1.
Variant type: Deletion.
Coding change: c.473del on transcript NM_024422.6 (MANE Select); coding-DNA position 473, one base deleted (A; older notation c.473delA).
Protein change: p.Gln158fs; shifts the reading frame from glutamine 158.
Molecular consequence: frameshift variant.
Genome position (GRCh38, 1-based): chr18:31,091,029, T deleted on the plus strand (A on the coding strand, the reverse complement: DSC2 is on the minus strand). VCF-style (leftmost placement, unchanged base first): chr18-31091028-CT-C. GRCh37 (hg19) VCF-style: chr18-28670991-CT-C.
Other names: c.473delA (NM_024422.3); c.473del, p.Gln158fs (NM_004949.5); c.473del (NM_024422.3); short protein forms Q158fs.
Identifiers: ClinVar variation 422733 (VCV000422733.6), dbSNP rs1064795963, ClinGen allele CA16620674.

ClinVar aggregate classification (germline): Pathogenic/Likely pathogenic. Review status: criteria provided, multiple submitters, no conflicts (2 of 4 stars). 3 submissions from 3 submitters: Pathogenic (1); Likely pathogenic (2). Last evaluated 2025-11-09.

Conditions:
Arrhythmogenic right ventricular dysplasia 11. Also called: Arrhythmogenic Right Ventricular Dysplasia/Cardiomyopathy11; ARRHYTHMOGENIC RIGHT VENTRICULAR DYSPLASIA, FAMILIAL, 11; Arrhythmogenic right ventricular dysplasia 11 with mild palmoplantar keratoderma and woolly hair. Identifiers: MedGen C1864850, MONDO:0012506, OMIM 610476.

Allele frequency attached by ClinVar (database versions not stated): gnomAD 0.00001.

Submissions (3):

Clinical Genomics Laboratory, Washington University in St. Louis
Classification: Likely pathogenic for Arrhythmogenic right ventricular dysplasia 11. Last evaluated: 2025-11-09. Review status: criteria provided, single submitter. Criteria: ACMG Guidelines, 2015. Collection method: clinical testing. Allele origin: germline. Affected: yes.
Comment: The DSC2 c.473del (p.Gln158Argfs*16) variant, to our knowledge, has not been reported in the medical literature but has been reported in the ClinVar database as a germline pathogenic/likely pathogenic variant by two submitters. This variant is absent from the general population (gnomAD v.2.1.0), indicating it is not a common variant. This variant causes a frameshift by deleting a single nucleotide, leading to a premature termination codon, which is predicted to lead to nonsense mediated decay. Based on available information and the ACMG/AMP guidelines for variant interpretation (Richards S et al., PMID: 25741868), this variant is classified as likely pathogenic.

Labcorp Genetics (formerly Invitae), Labcorp
Classification: Pathogenic for Arrhythmogenic right ventricular dysplasia 11. Last evaluated: 2024-10-16. Review status: criteria provided, single submitter. Criteria: Invitae Variant Classification Sherloc (09022015). Collection method: clinical testing. Allele origin: germline.
Comment: This sequence change creates a premature translational stop signal (p.Gln158Argfs*16) in the DSC2 gene. It is expected to result in an absent or disrupted protein product. Loss-of-function variants in DSC2 are known to be pathogenic (PMID: 23911551). This variant is not present in population databases (gnomAD no frequency). This variant has not been reported in the literature in individuals affected with DSC2-related conditions. ClinVar contains an entry for this variant (Variation ID: 422733). Algorithms developed to predict the effect of sequence changes on RNA splicing suggest that this variant may disrupt the consensus splice site. For these reasons, this variant has been classified as Pathogenic.

GeneDx
Classification: Likely pathogenic. Last evaluated: 2023-10-11. Review status: criteria provided, single submitter. Criteria: GeneDx Variant Classification Process June 2021. Collection method: clinical testing. Allele origin: germline. Affected: yes.
Comment: Frameshift variant predicted to result in protein truncation or nonsense mediated decay in a gene for which loss of function is a known mechanism of disease; Not observed at significant frequency in large population cohorts (gnomAD); Has not been previously published as pathogenic or benign to our knowledge

Literature cited by the submitters: PubMed 23911551 (cited by Labcorp Genetics (formerly Invitae), Labcorp).